The following is an entry in ClinVar:

ClinVar aggregate classification (germline): Pathogenic (1 of 4 stars; one submission).

Conditions:
Autosomal recessive nonsyndromic hearing loss 77. Identifiers: Orphanet 90636, MedGen C2746083, MONDO:0013119, OMIM 613079.

Submission:

Myriad Genetics, Inc.
Classification: Pathogenic for Autosomal recessive nonsyndromic hearing loss 77. Last evaluated: 2026-03-20. Review status: criteria provided, single submitter. Criteria: Myriad Autosomal Dominant, Autosomal Recessive and X-Linked Classification Criteria (2023). Collection method: clinical testing. Allele origin: unknown.
Comment: NM_144612.6(LOXHD1):c.2734G>T(E912*) is a nonsense variant classified as pathogenic in the context of nonsyndromic hearing loss, LOXHD1-related. E912* has not been observed in cases with relevant disease. Relevant functional assessments of this variant are not available in the literature. E912* has not been observed in referenced population frequency databases. In summary, NM_144612.6(LOXHD1):c.2734G>T(E912*) is a nonsense variant in a gene where loss of function is a known mechanism of disease and is predicted to disrupt protein function. Please note: this variant was assessed in the context of healthy population screening.

NM_001384474.1(LOXHD1):c.2734G>T (p.Glu912Ter)

Gene: LOXHD1 (lipoxygenase homology PLAT domains 1; minus strand). Cytogenetic location: 18q21.1.
Variant type: single nucleotide variant.
Coding change: c.2734G>T on transcript NM_001384474.1 (MANE Select); coding-DNA position 2734, G replaced by T.
Protein change: p.Glu912Ter; replaces glutamic acid 912 with a stop codon.
Molecular consequence: nonsense.
Genome position (GRCh38, 1-based): chr18:46,560,410, C>A on the plus strand (G>T on the coding strand, the complement: LOXHD1 is on the minus strand). VCF-style: chr18-46560410-C-A. GRCh37 (hg19) VCF-style: chr18-44140373-C-A.
Other names: c.2734G>T, p.Glu912Ter (NM_144612.7); short protein forms E912*.
Identifiers: ClinVar variation 5004548 (VCV005004548.1).